The following is an entry in ClinVar:

NM_198578.4(LRRK2):c.3338T>G (p.Ile1113Ser)

Gene: LRRK2 (leucine rich repeat kinase 2; plus strand). Cytogenetic location: 12q12.
Variant type: single nucleotide variant.
Coding change: c.3338T>G on transcript NM_198578.4 (MANE Select); coding-DNA position 3338, T replaced by G.
Protein change: p.Ile1113Ser; replaces isoleucine 1113 with serine.
Molecular consequence: missense variant.
Genome position (GRCh38, 1-based): chr12:40,298,484, T>G. VCF-style: chr12-40298484-T-G. GRCh37 (hg19) VCF-style: chr12-40692286-T-G.
Other names: short protein forms I1113S.
Identifiers: ClinVar variation 3540649 (VCV003540649.1).

ClinVar aggregate classification (germline): Uncertain significance (1 of 4 stars; one submission).

Conditions:
Inborn genetic diseases. Identifiers: MedGen C0950123, MeSH D030342.

Submission:

Ambry Genetics
Classification: Uncertain significance for Inborn genetic diseases. Last evaluated: 2024-09-01. Review status: criteria provided, single submitter. Criteria: Ambry Variant Classification Scheme 2023. Collection method: clinical testing. Allele origin: germline.
Comment: The p.I1113S variant (also known as c.3338T>G), located in coding exon 24 of the LRRK2 gene, results from a T to G substitution at nucleotide position 3338. The isoleucine at codon 1113 is replaced by serine, an amino acid with dissimilar properties. This amino acid position is conserved. In addition, this alteration is predicted to be tolerated by in silico analysis. Based on the available evidence, the clinical significance of this variant remains unclear.